The following is an entry in ClinVar:

ClinVar aggregate classification (germline): Uncertain significance. Review status: criteria provided, multiple submitters, no conflicts (2 of 4 stars). 2 submissions from 2 submitters: Uncertain significance (2). Last evaluated 2025-06-10.

Conditions:
Bloom syndrome (BLM). Also called: Bloom-Torre-Machacek syndrome. Identifiers: Orphanet 125, MedGen C0005859, MONDO:0008876, OMIM 210900.
Hereditary cancer-predisposing syndrome. Also called: Hereditary neoplastic syndrome; Neoplastic Syndromes, Hereditary; Tumor predisposition; Hereditary Cancer Syndrome. Identifiers: Orphanet 140162, MedGen C0027672, MeSH D009386, MONDO:0015356.

Submissions (2):

Labcorp Genetics (formerly Invitae), Labcorp
Classification: Uncertain significance for Bloom syndrome. Last evaluated: 2025-06-10. Review status: criteria provided, single submitter. Criteria: Invitae Variant Classification Sherloc (09022015). Collection method: clinical testing. Allele origin: germline.
Comment: This sequence change replaces glutamine, which is neutral and polar, with arginine, which is basic and polar, at codon 253 of the BLM protein (p.Gln253Arg). This variant is not present in population databases (gnomAD no frequency). This variant has not been reported in the literature in individuals affected with BLM-related conditions. ClinVar contains an entry for this variant (Variation ID: 3824450). An algorithm developed to predict the effect of missense changes on protein structure and function outputs the following: PolyPhen-2: "Benign". The arginine amino acid residue is found in multiple mammalian species, which suggests that this missense change does not adversely affect protein function. In summary, the available evidence is currently insufficient to determine the role of this variant in disease. Therefore, it has been classified as a Variant of Uncertain Significance.

Ambry Genetics
Classification: Uncertain significance for Hereditary cancer-predisposing syndrome. Last evaluated: 2025-01-10. Review status: criteria provided, single submitter. Criteria: Ambry Variant Classification Scheme 2023. Collection method: clinical testing. Allele origin: germline.
Comment: The p.Q253R variant (also known as c.758A>G), located in coding exon 2 of the BLM gene, results from an A to G substitution at nucleotide position 758. The glutamine at codon 253 is replaced by arginine, an amino acid with highly similar properties. This amino acid position is conserved. In addition, this alteration is predicted to be tolerated by in silico analysis. Based on the available evidence, the clinical significance of this variant remains unclear.

NM_000057.4(BLM):c.758A>G (p.Gln253Arg)

Gene: BLM (BLM RecQ like helicase; plus strand). Cytogenetic location: 15q26.1.
Variant type: single nucleotide variant.
Coding change: c.758A>G on transcript NM_000057.4 (MANE Select); coding-DNA position 758, A replaced by G.
Protein change: p.Gln253Arg; replaces glutamine 253 with arginine.
Molecular consequence: missense variant. On other transcripts: 5 prime UTR variant (1).
Genome position (GRCh38, 1-based): chr15:90,750,026, A>G. VCF-style: chr15-90750026-A-G. GRCh37 (hg19) VCF-style: chr15-91293256-A-G.
Other names: c.758A>G, p.Gln253Arg (NM_001287246.2, NM_001287247.2); c.-534A>G (NM_001287248.2); short protein forms Q253R.
Identifiers: ClinVar variation 3824450 (VCV003824450.2).